The following is an entry in ClinVar:

NM_018685.5(ANLN):c.278C>T (p.Ala93Val)

Gene: ANLN (anillin, actin binding protein; plus strand). Cytogenetic location: 7p14.2.
Variant type: single nucleotide variant.
Coding change: c.278C>T on transcript NM_018685.5 (MANE Select); coding-DNA position 278, C replaced by T.
Protein change: p.Ala93Val; replaces alanine 93 with valine.
Molecular consequence: missense variant.
Genome position (GRCh38, 1-based): chr7:36,399,184, C>T. VCF-style: chr7-36399184-C-T. GRCh37 (hg19) VCF-style: chr7-36438793-C-T.
Other names: c.278C>T, p.Ala93Val (NM_001284301.3, NM_001284302.3); short protein forms A93V.
Identifiers: ClinVar variation 3621888 (VCV003621888.2).

ClinVar aggregate classification (germline): Uncertain significance (1 of 4 stars; one submission).

gnomAD v4.1: 2 of 1,614,144 alleles (0.00012%); highest among the groups gnomAD compares: Non-Finnish European, 0.000085%; no homozygotes.

Submission:

Labcorp Genetics (formerly Invitae), Labcorp
Classification: Uncertain significance. Last evaluated: 2026-01-22. Review status: criteria provided, single submitter. Criteria: Invitae Variant Classification Sherloc (09022015). Collection method: clinical testing. Allele origin: germline.
Comment: This sequence change replaces alanine, which is neutral and non-polar, with valine, which is neutral and non-polar, at codon 93 of the ANLN protein (p.Ala93Val). This variant is not present in population databases (gnomAD no frequency). This variant has not been reported in the literature in individuals affected with ANLN-related conditions. ClinVar contains an entry for this variant (Variation ID: 3621888). An algorithm developed to predict the effect of missense changes on protein structure and function outputs the following: PolyPhen-2: "Benign". The valine amino acid residue is found in multiple mammalian species, which suggests that this missense change does not adversely affect protein function. In summary, the available evidence is currently insufficient to determine the role of this variant in disease. Therefore, it has been classified as a Variant of Uncertain Significance.